The following is an entry in ClinVar:

ClinVar aggregate classification (germline): Uncertain significance. Review status: criteria provided, multiple submitters, no conflicts (2 of 4 stars). 2 submissions from 2 submitters: Uncertain significance (2). Last evaluated 2025-11-13.

Conditions:
Hereditary cancer-predisposing syndrome. Also called: Hereditary neoplastic syndrome; Tumor predisposition; Neoplastic Syndromes, Hereditary; Hereditary Cancer Syndrome. Identifiers: Orphanet 140162, MedGen C0027672, MeSH D009386, MONDO:0015356.
Parathyroid carcinoma (PRTC). Also called: Parathyroid gland carcinoma; CDC73-Related Parathyroid Carcinoma. Identifiers: Orphanet 143, MedGen C0687150, MONDO:0012004, OMIM 608266, HP:0006780.

Allele frequency attached by ClinVar (database versions not stated): gnomAD exomes below 0.00001.
gnomAD v4.1: 4 of 1,614,160 alleles (0.00025%); highest among the groups gnomAD compares: Non-Finnish European, 0.00034%; no homozygotes.

Submissions (2):

Ambry Genetics
Classification: Uncertain significance for Hereditary cancer-predisposing syndrome. Last evaluated: 2025-11-13. Review status: criteria provided, single submitter. Criteria: Ambry Variant Classification Scheme 2023. Collection method: clinical testing. Allele origin: germline.
Comment: The p.S31Y variant (also known as c.92C>A), located in coding exon 1 of the CDC73 gene, results from a C to A substitution at nucleotide position 92. The serine at codon 31 is replaced by tyrosine, an amino acid with dissimilar properties. This amino acid position is conserved. In addition, this alteration is predicted to be deleterious by in silico analysis. Since supporting evidence is limited at this time, the clinical significance of this alteration remains unclear.

Labcorp Genetics (formerly Invitae), Labcorp
Classification: Uncertain significance for Parathyroid carcinoma. Last evaluated: 2018-11-21. Review status: criteria provided, single submitter. Criteria: Invitae Variant Classification Sherloc (09022015). Collection method: clinical testing. Allele origin: germline.
Comment: In summary, the available evidence is currently insufficient to determine the role of this variant in disease. Therefore, it has been classified as a Variant of Uncertain Significance. Algorithms developed to predict the effect of missense changes on protein structure and function do not agree on the potential impact of this missense change (SIFT: "Deleterious"; PolyPhen-2: "Possibly Damaging"; Align-GVGD: "Class C15"). This variant has not been reported in the literature in individuals with CDC73-related disease. This variant is not present in population databases (ExAC no frequency). This sequence change replaces serine with tyrosine at codon 31 of the CDC73 protein (p.Ser31Tyr). The serine residue is highly conserved and there is a large physicochemical difference between serine and tyrosine.

NM_024529.5(CDC73):c.92C>A (p.Ser31Tyr)

Gene: CDC73 (cell division cycle 73; plus strand). Cytogenetic location: 1q31.2.
Variant type: single nucleotide variant.
Coding change: c.92C>A on transcript NM_024529.5 (MANE Select); coding-DNA position 92, C replaced by A.
Protein change: p.Ser31Tyr; replaces serine 31 with tyrosine.
Molecular consequence: missense variant.
Genome position (GRCh38, 1-based): chr1:193,122,292, C>A. VCF-style: chr1-193122292-C-A. GRCh37 (hg19) VCF-style: chr1-193091422-C-A.
Other names: short protein forms S31Y.
Identifiers: ClinVar variation 569330 (VCV000569330.13), dbSNP rs1558276199, ClinGen allele CA343972927.